The following is an entry in ClinVar:

ClinVar aggregate classification (germline): Uncertain significance. Review status: criteria provided, multiple submitters, no conflicts (2 of 4 stars). 3 submissions from 3 submitters: Uncertain significance (3). Last evaluated 2026-08-12.

Conditions:
Inborn genetic diseases. Identifiers: MedGen C0950123, MeSH D030342.
SPTAN1-related disorder. Also called: SPTAN1-related disorders; SPTAN1-related condition.
Early-infantile DEE. Also called: Early infantile epileptic encephalopathy; Early infantile epileptic encephalopathy with suppression bursts; Ohtahara syndrome. Identifiers: Orphanet 1934, MedGen C0393706, MONDO:0800491.

Allele frequency attached by ClinVar (database versions not stated): TOPMed below 0.00001; gnomAD 0.00001; gnomAD exomes 0.00001.
gnomAD v4.1: 12 of 1,614,050 alleles (0.00074%); highest among the groups gnomAD compares: Middle Eastern, 0.016%; no homozygotes.

Submissions (3):

PreventionGenetics, part of Exact Sciences
Classification: Uncertain significance for SPTAN1-related condition. Last evaluated: 2026-08-12. Review status: criteria provided, single submitter. Criteria: ACMG Guidelines, 2015. Collection method: clinical testing. Allele origin: germline.
Comment: The SPTAN1 c.2309A>G variant is predicted to result in the amino acid substitution p.Lys770Arg. To our knowledge, this variant has not been reported in the literature. This variant is reported in 0.0050% of alleles in individuals of East Asian descent in gnomAD. At this time, the clinical significance of this variant is uncertain due to the absence of conclusive functional and genetic evidence.

Labcorp Genetics (formerly Invitae), Labcorp
Classification: Uncertain significance for Early-infantile DEE. Last evaluated: 2026-01-26. Review status: criteria provided, single submitter. Criteria: Invitae Variant Classification Sherloc (09022015). Collection method: clinical testing. Allele origin: germline.
Comment: This sequence change replaces lysine, which is basic and polar, with arginine, which is basic and polar, at codon 770 of the SPTAN1 protein (p.Lys770Arg). This variant is present in population databases (no rsID available, gnomAD 0.005%). This variant has not been reported in the literature in individuals affected with SPTAN1-related conditions. ClinVar contains an entry for this variant (Variation ID: 2153026). An algorithm developed to predict the effect of missense changes on protein structure and function outputs the following: PolyPhen-2: "Benign". The arginine amino acid residue is found in multiple mammalian species, which suggests that this missense change does not adversely affect protein function. In summary, the available evidence is currently insufficient to determine the role of this variant in disease. Therefore, it has been classified as a Variant of Uncertain Significance.

Ambry Genetics
Classification: Uncertain significance for Inborn genetic diseases. Last evaluated: 2025-07-02. Review status: criteria provided, single submitter. Criteria: Ambry Variant Classification Scheme 2023. Collection method: clinical testing. Allele origin: germline.

NM_001130438.3(SPTAN1):c.2309A>G (p.Lys770Arg)

Gene: SPTAN1 (spectrin alpha, non-erythrocytic 1; plus strand). Cytogenetic location: 9q34.11.
Variant type: single nucleotide variant.
Coding change: c.2309A>G on transcript NM_001130438.3 (MANE Select); coding-DNA position 2309, A replaced by G.
Protein change: p.Lys770Arg; replaces lysine 770 with arginine.
Molecular consequence: missense variant.
Genome position (GRCh38, 1-based): chr9:128,584,397, A>G. VCF-style: chr9-128584397-A-G. GRCh37 (hg19) VCF-style: chr9-131346676-A-G.
Other names: c.2309A>G, p.Lys770Arg (NM_001195532.2, NM_001363759.2, NM_001363765.2 and 5 more transcripts); c.2345A>G, p.Lys782Arg (NM_001375312.2, NM_001375318.1); c.2309A>G (NM_001130438.2); short protein forms K782R, K770R.
Identifiers: ClinVar variation 2153026 (VCV002153026.6), dbSNP rs988580758, ClinGen allele CA200381181.
Genomic context (GRCh38, chr9:128,584,397, plus strand): 5'-TTGATGCAGAAAACATCAAGAAGAAACAGGAAGCCCTCGTGGCTCGCTATGAGGCACTCA[A>G]GGAGCCCATGGTTGCCCGGAAGCAGAAGCTGGCCGATTCTCTGCGGTTGCAGCAGCTCTT-3'
Protein context (NP_001123910.1, residues 760-780): EALVARYEAL[Lys770Arg]EPMVARKQKL